The following is an entry in ClinVar:

NM_014319.5(LEMD3):c.2127-6T>A

Gene: LEMD3 (LEM domain containing 3; plus strand). Cytogenetic location: 12q14.3.
Variant type: single nucleotide variant.
Coding change: c.2127-6T>A on transcript NM_014319.5 (MANE Select); 6 bases into the intron before coding-DNA position 2127, T replaced by A.
Molecular consequence: intron variant.
Genome position (GRCh38, 1-based): chr12:65,240,903, T>A. VCF-style: chr12-65240903-T-A. GRCh37 (hg19) VCF-style: chr12-65634683-T-A.
Other names: c.2124-6T>A (NM_001167614.2).
Identifiers: ClinVar variation 2859788 (VCV002859788.3), dbSNP rs2498908666, ClinGen allele CA2739272178.

ClinVar aggregate classification (germline): Uncertain significance (1 of 4 stars; one submission).

Submission:

Labcorp Genetics (formerly Invitae), Labcorp
Classification: Uncertain significance. Last evaluated: 2023-05-03. Review status: criteria provided, single submitter. Criteria: Invitae Variant Classification Sherloc (09022015). Collection method: clinical testing. Allele origin: germline.
Comment: Algorithms developed to predict the effect of sequence changes on RNA splicing suggest that this variant may create or strengthen a splice site. In summary, the available evidence is currently insufficient to determine the role of this variant in disease. Therefore, it has been classified as a Variant of Uncertain Significance. This variant has not been reported in the literature in individuals affected with LEMD3-related conditions. This variant is not present in population databases (gnomAD no frequency). This sequence change falls in intron 8 of the LEMD3 gene. It does not directly change the encoded amino acid sequence of the LEMD3 protein.